The following is an entry in ClinVar:

ClinVar aggregate classification (germline): Uncertain significance (1 of 4 stars; one submission).

Conditions:
Birt-Hogg-Dube syndrome. Also called: Birt Hogg Dubé syndrome. Identifiers: Orphanet 122, MedGen C0346010, MONDO:0800444.

Submission:

Labcorp Genetics (formerly Invitae), Labcorp
Classification: Uncertain significance for Birt-Hogg-Dube syndrome. Last evaluated: 2023-12-06. Review status: criteria provided, single submitter. Criteria: Invitae Variant Classification Sherloc (09022015). Collection method: clinical testing. Allele origin: germline.
Comment: This sequence change replaces serine, which is neutral and polar, with isoleucine, which is neutral and non-polar, at codon 407 of the FLCN protein (p.Ser407Ile). This variant is not present in population databases (gnomAD no frequency). This variant has not been reported in the literature in individuals affected with FLCN-related conditions. Advanced modeling of protein sequence and biophysical properties (such as structural, functional, and spatial information, amino acid conservation, physicochemical variation, residue mobility, and thermodynamic stability) performed at Invitae indicates that this missense variant is not expected to disrupt FLCN protein function with a negative predictive value of 80%. In summary, the available evidence is currently insufficient to determine the role of this variant in disease. Therefore, it has been classified as a Variant of Uncertain Significance.

NM_144997.7(FLCN):c.1220G>T (p.Ser407Ile)

Gene: FLCN (folliculin; minus strand). Cytogenetic location: 17p11.2.
Variant type: single nucleotide variant.
Coding change: c.1220G>T on transcript NM_144997.7 (MANE Select); coding-DNA position 1220, G replaced by T.
Protein change: p.Ser407Ile; replaces serine 407 with isoleucine.
Molecular consequence: missense variant.
Genome position (GRCh38, 1-based): chr17:17,216,460, C>A on the plus strand (G>T on the coding strand, the complement: FLCN is on the minus strand). VCF-style: chr17-17216460-C-A. GRCh37 (hg19) VCF-style: chr17-17119774-C-A.
Other names: c.1274G>T, p.Ser425Ile (NM_001353229.2); c.1220G>T, p.Ser407Ile (NM_001353230.2, NM_001353231.2); short protein forms S407I, S425I.
Identifiers: ClinVar variation 2879915 (VCV002879915.3), dbSNP rs2544163462, ClinGen allele CA398531870.
Genomic context (GRCh38, chr17:17,216,460, plus strand): 5'-GGGATCTGCACGTGCGGGCTGAGCCCCAGGAAGTTGCACCGATAGGCCTCCTCGTACTGG[C>A]TGCTGTATGGGATGATGCGGACGCAGCCCACGGGAAGCATGGTCTGAGGAGGACAGCAGG-3'
Protein context (NP_659434.2, residues 397-417): VGCVRIIPYS[Ser407Ile]QYEEAYRCNF